The following is an entry in ClinVar:

ClinVar aggregate classification (germline): Uncertain significance (1 of 4 stars; one submission).

Allele frequency attached by ClinVar (database versions not stated): gnomAD exomes 0.00001; gnomAD 0.00004; ExAC 0.00005; TOPMed 0.00007; ESP Exome Variant Server 0.00031.
gnomAD v4.1: 16 of 1,533,386 alleles (0.001%); highest among the groups gnomAD compares: Middle Eastern, 0.017%; no homozygotes.

Submission:

Labcorp Genetics (formerly Invitae), Labcorp
Classification: Uncertain significance. Last evaluated: 2025-10-01. Review status: criteria provided, single submitter. Criteria: Invitae Variant Classification Sherloc (09022015). Collection method: clinical testing. Allele origin: germline.
Comment: This sequence change falls in intron 1 of the RPS6KC1 gene. It does not directly change the encoded amino acid sequence of the RPS6KC1 protein. It affects a nucleotide within the consensus splice site. This variant is present in population databases (rs377535571, gnomAD 0.04%). This variant has not been reported in the literature in individuals affected with RPS6KC1-related conditions. ClinVar contains an entry for this variant (Variation ID: 2075090). Variants that disrupt the consensus splice site are a relatively common cause of aberrant splicing (PMID: 17576681, 9536098). Algorithms developed to predict the effect of sequence changes on RNA splicing suggest that this variant is not likely to affect RNA splicing. In summary, the available evidence is currently insufficient to determine the role of this variant in disease. Therefore, it has been classified as a Variant of Uncertain Significance.

Literature cited by the submitters: PubMed 17576681; PubMed 9536098.

NM_012424.6(RPS6KC1):c.106-3T>C

Gene: RPS6KC1 (ribosomal protein S6 kinase C1; plus strand). Cytogenetic location: 1q32.3.
Variant type: single nucleotide variant.
Coding change: c.106-3T>C on transcript NM_012424.6 (MANE Select); 3 bases into the intron before coding-DNA position 106, T replaced by C.
Molecular consequence: intron variant.
Genome position (GRCh38, 1-based): chr1:213,071,003, T>C. VCF-style: chr1-213071003-T-C. GRCh37 (hg19) VCF-style: chr1-213244345-T-C.
Other names: c.-754-3T>C (NM_001349651.2); c.-1297-3T>C (NM_001349660.2); c.-633-3T>C (NM_001349650.2, NM_001349654.2); c.-1304-3T>C (NM_001349669.2); c.-555-3T>C (NM_001349649.2, NM_001287219.3); c.-1226-3T>C (NM_001349666.2); c.-1133-3T>C (NM_001349664.2); c.-540-3T>C (NM_001349658.2); and 17 more.
Identifiers: ClinVar variation 2075090 (VCV002075090.4), dbSNP rs377535571, ClinGen allele CA1387048.